The following is an entry in ClinVar:

NM_000138.5(FBN1):c.2683A>G (p.Ile895Val)

Gene: FBN1 (fibrillin 1; minus strand). Cytogenetic location: 15q21.1.
Variant type: single nucleotide variant.
Coding change: c.2683A>G on transcript NM_000138.5 (MANE Select); coding-DNA position 2683, A replaced by G.
Protein change: p.Ile895Val; replaces isoleucine 895 with valine.
Molecular consequence: missense variant.
Genome position (GRCh38, 1-based): chr15:48,494,249, T>C on the plus strand (A>G on the coding strand, the complement: FBN1 is on the minus strand). VCF-style: chr15-48494249-T-C. GRCh37 (hg19) VCF-style: chr15-48786446-T-C.
Other names: short protein forms I895V.
Identifiers: ClinVar variation 918481 (VCV000918481.14), dbSNP rs772308703, ClinGen allele CA048492.

ClinVar aggregate classification (germline): Conflicting classifications of pathogenicity. Review status: criteria provided, conflicting classifications (1 of 4 stars). 7 submissions from 7 submitters: Uncertain significance (6); Likely benign (1). Last evaluated 2025-09-05.

Conditions:
Familial thoracic aortic aneurysm and aortic dissection (TAAD). Also called: Thoracic aortic aneurysms and dissections. Identifiers: Orphanet 91387, MedGen C4707243, MONDO:0019625.
Marfan syndrome (MFS). Also called: Marfan syndrome, classic; Marfan syndrome type 1; Marfan's syndrome; FBN1-Related Marfan Syndrome; MARFAN SYNDROME, TYPE I. Identifiers: Orphanet 284963, Orphanet 558, MedGen C0024796, MONDO:0007947, OMIM 154700.
Weill-Marchesani syndrome 2, dominant. Also called: FBN1-Related Weill-Marchesani Syndrome; Weill-Marchesani Syndrome, Autosomal Dominant. Identifiers: Orphanet 2084, MedGen C1869115, MONDO:0012013, OMIM 608328.
Progeroid and marfanoid aspect-lipodystrophy syndrome. Also called: MARFANOID-PROGEROID SYNDROME; MARFAN-PROGEROID-LIPODYSTROPHY SYNDROME; Marfan lipodystrophy syndrome; MARFANOID-PROGEROID-LIPODYSTROPHY SYNDROME. Identifiers: Orphanet 300382, MedGen C4310796, MONDO:0014831, OMIM 616914.
Acromicric dysplasia (ACMICD). Also called: Acromicric skeletal dysplasia. Identifiers: Orphanet 969, MedGen C0265287, MONDO:0007055, OMIM 102370.
Ectopia lentis 1, isolated, autosomal dominant (ECTOL1). Identifiers: Orphanet 1885, MedGen C3541518, MONDO:0007514, OMIM 129600.
Geleophysic dysplasia 2 (GPHYSD2). Identifiers: Orphanet 2623, MedGen C3280054, MONDO:0013612, OMIM 614185.
MASS syndrome (OCTD). Also called: OVERLAP CONNECTIVE TISSUE DISEASE; MASS PHENOTYPE. Identifiers: MedGen C1858556, MONDO:0011431, OMIM 604308.
Stiff skin syndrome (SSKS). Identifiers: Orphanet 2833, MedGen C1861456, MONDO:0008492, OMIM 184900.

Allele frequency attached by ClinVar (database versions not stated): gnomAD exomes 0.00001; ExAC 0.00002.
gnomAD v4.1: 9 of 1,612,738 alleles (0.00056%); highest among the groups gnomAD compares: East Asian, 0.0022%; no homozygotes.

Submissions (7):

Ambry Genetics
Classification: Uncertain significance for Familial thoracic aortic aneurysm and aortic dissection. Last evaluated: 2025-09-05. Review status: criteria provided, single submitter. Criteria: Ambry Variant Classification Scheme 2023. Collection method: clinical testing. Allele origin: germline.
Comment: The p.I895V variant (also known as c.2683A>G), located in coding exon 22 of the FBN1 gene, results from an A to G substitution at nucleotide position 2683. The isoleucine at codon 895 is replaced by valine, an amino acid with highly similar properties. This variant was reported in individual(s) with features consistent with aortic aneurysm (Ambry internal data). This amino acid position is well conserved in available vertebrate species. In addition, this alteration is predicted to be tolerated by in silico analysis. Based on the available evidence, the clinical significance of this variant remains unclear.

Labcorp Genetics (formerly Invitae), Labcorp
Classification: Likely benign for Marfan syndrome; Familial thoracic aortic aneurysm and aortic dissection. Last evaluated: 2025-08-16. Review status: criteria provided, single submitter. Criteria: Invitae Variant Classification Sherloc (09022015). Collection method: clinical testing. Allele origin: germline.

Centre of Medical Genetics, University of Antwerp
Classification: Uncertain significance for Familial thoracic aortic aneurysm and aortic dissection. Last evaluated: 2024-09-06. Review status: criteria provided, single submitter. Criteria: ACMG Guidelines, 2015. Collection method: clinical testing. Allele origin: germline. Affected: yes.

All of Us Research Program, National Institutes of Health
Classification: Uncertain significance for Marfan syndrome. Last evaluated: 2023-10-02. Review status: criteria provided, single submitter. Criteria: ACMG Guidelines, 2015. Collection method: clinical testing. Allele origin: germline. Inheritance: Autosomal dominant inheritance. Observed: 2 variant alleles, 2 heterozygotes.
Comment: This missense variant replaces isoleucine with valine at codon 895 of the FBN1 protein. Computational prediction tools and conservation analyses are inconclusive regarding the impact of this variant on protein structure and function. Splice site prediction tools suggest that this variant may not impact RNA splicing. To our knowledge, functional studies have not been performed for this variant. This variant has not been reported in individuals affected with cardiovascular disorders in the literature. This variant has been identified in 3/250962 chromosomes in the general population by the Genome Aggregation Database (gnomAD). The available evidence is insufficient to determine the role of this variant in disease conclusively. Therefore, this variant is classified as a Variant of Uncertain Significance.

This study involves interpretation of variants in research participants for the purpose of population health screening. Participant phenotype was not available at the time of variant classification. Additional details can be found in publication PMID: 35346344, PMCID: PMC8962531

Color Diagnostics, LLC DBA Color Health
Classification: Uncertain significance for Familial thoracic aortic aneurysm and aortic dissection. Last evaluated: 2023-05-12. Review status: criteria provided, single submitter. Criteria: ACMG Guidelines, 2015. Collection method: clinical testing. Allele origin: germline.
Comment: This missense variant replaces isoleucine with valine at codon 895 of the FBN1 protein. Computational prediction suggests that this variant may not impact protein structure and function (internally defined REVEL score threshold <= 0.5, PMID: 27666373). To our knowledge, functional studies have not been reported for this variant. This variant has not been reported in individuals affected with FBN1-related disorders in the literature. This variant has been identified in 3/250962 chromosomes in the general population by the Genome Aggregation Database (gnomAD). The available evidence is insufficient to determine the role of this variant in disease conclusively. Therefore, this variant is classified as a Variant of Uncertain Significance.

GeneDx
Classification: Uncertain significance. Last evaluated: 2022-02-28. Review status: criteria provided, single submitter. Criteria: GeneDx Variant Classification Process June 2021. Collection method: clinical testing. Allele origin: germline. Affected: yes.
Comment: Has not been previously published as pathogenic or benign to our knowledge; Not observed at a significant frequency in large population cohorts (gnomAD); In silico analysis supports that this missense variant does not alter protein structure/function; Does not affect a cysteine residue within a calcium-binding EGF-like domain of the FBN1 gene; cysteine substitutions in the calcium-binding EGF-like domains represent the majority of pathogenic missense changes associated with FBN1-related disorders (Collod-Beroud et al., 2003)

Fulgent Genetics
Classification: Uncertain significance for Acromicric dysplasia; Ectopia lentis 1, isolated, autosomal dominant; Marfan syndrome; Stiff skin syndrome; MASS syndrome; Weill-Marchesani syndrome 2, dominant; Geleophysic dysplasia 2; Progeroid and marfanoid aspect-lipodystrophy syndrome. Last evaluated: 2021-07-14. Review status: criteria provided, single submitter. Criteria: ACMG Guidelines, 2015. Collection method: clinical testing. Allele origin: unknown.